The following is an entry in ClinVar:

NM_005055.5(RAPSN):c.757G>A (p.Ala253Thr)

Gene: RAPSN (receptor associated protein of the synapse; minus strand). Cytogenetic location: 11p11.2.
Variant type: single nucleotide variant.
Coding change: c.757G>A on transcript NM_005055.5 (MANE Select); coding-DNA position 757, G replaced by A.
Protein change: p.Ala253Thr; replaces alanine 253 with threonine.
Molecular consequence: missense variant.
Genome position (GRCh38, 1-based): chr11:47,441,855, C>T on the plus strand (G>A on the coding strand, the complement: RAPSN is on the minus strand). VCF-style: chr11-47441855-C-T. GRCh37 (hg19) VCF-style: chr11-47463407-C-T.
Other names: c.757G>A, p.Ala253Thr (NM_032645.5); short protein forms A253T.
Identifiers: ClinVar variation 1467269 (VCV001467269.7), dbSNP rs2153308622, ClinGen allele CA380330101.

ClinVar aggregate classification (germline): Uncertain significance. Review status: criteria provided, multiple submitters, no conflicts (2 of 4 stars). 2 submissions from 2 submitters: Uncertain significance (2). Last evaluated 2022-10-17.

Conditions:
Congenital myasthenic syndrome 11. Also called: MYASTHENIC SYNDROME, CONGENITAL, Ie; Myasthenic syndrome, congenital, 11, associated with acetylcholine receptor deficiency. Identifiers: Orphanet 590, MedGen C4225367, MONDO:0014588, OMIM 616326.
Fetal akinesia deformation sequence 2. Identifiers: MedGen C4760576, MONDO:0100102, OMIM 618388.
Fetal akinesia deformation sequence 1 (FADS1). Also called: Pena-Shokeir syndrome type I; Fetal akinesia sequence. Identifiers: Orphanet 994, MedGen C1276035, MONDO:0100101, OMIM 208150, HP:0001989.

Submissions (2):

Labcorp Genetics (formerly Invitae), Labcorp
Classification: Uncertain significance for Congenital myasthenic syndrome 11; Fetal akinesia deformation sequence 1. Last evaluated: 2022-10-17. Review status: criteria provided, single submitter. Criteria: Invitae Variant Classification Sherloc (09022015). Collection method: clinical testing. Allele origin: germline.
Comment: This sequence change replaces alanine, which is neutral and non-polar, with threonine, which is neutral and polar, at codon 253 of the RAPSN protein (p.Ala253Thr). This variant is not present in population databases (gnomAD no frequency). This variant has not been reported in the literature in individuals affected with RAPSN-related conditions. ClinVar contains an entry for this variant (Variation ID: 1467269). Advanced modeling of protein sequence and biophysical properties (such as structural, functional, and spatial information, amino acid conservation, physicochemical variation, residue mobility, and thermodynamic stability) performed at Invitae indicates that this missense variant is not expected to disrupt RAPSN protein function. In summary, the available evidence is currently insufficient to determine the role of this variant in disease. Therefore, it has been classified as a Variant of Uncertain Significance.

Juno Genomics, Hangzhou Juno Genomics, Inc
Classification: Uncertain significance for Fetal akinesia deformation sequence 2; Congenital myasthenic syndrome 11. Review status: criteria provided, single submitter. Criteria: ACMG Guidelines, 2015. Collection method: clinical testing. Allele origin: germline. Affected: yes.
Comment: Absent from controls (or at extremely low frequency if recessive) in Genome Aggregation Database, Exome Sequencing Project, 1000 Genomes Project, or Exome Aggregation Consortium.;Multiple lines of computational evidence support a deleterious effect on the gene or gene product (conservation, evolutionary, splicing impact, etc).;Patient's phenotype or family history is highly specific for a disease with a single genetic etiology.